The following is an entry in ClinVar:

ClinVar aggregate classification (germline): Uncertain significance (1 of 4 stars; one submission).

Submission:

Labcorp Genetics (formerly Invitae), Labcorp
Classification: Uncertain significance. Last evaluated: 2020-09-04. Review status: criteria provided, single submitter. Criteria: Invitae Variant Classification Sherloc (09022015). Collection method: clinical testing. Allele origin: germline.
Comment: This sequence change replaces glycine with valine at codon 288 of the COL4A3 protein (p.Gly288Val). The glycine residue is highly conserved and there is a moderate physicochemical difference between glycine and valine. This variant is not present in population databases (ExAC no frequency). This variant has been observed in individual(s) with clinical features of Alport syndrome (Invitae). Algorithms developed to predict the effect of missense changes on protein structure and function are either unavailable or do not agree on the potential impact of this missense change (SIFT: "Deleterious"; PolyPhen-2: "Probably Damaging"; Align-GVGD: "Class C0"). In summary, the available evidence is currently insufficient to determine the role of this variant in disease. Therefore, it has been classified as a Variant of Uncertain Significance.

NM_000091.5(COL4A3):c.863G>T (p.Gly288Val)

Genes: COL4A3 (collagen type IV alpha 3 chain; plus strand), MFF-DT (MFF divergent transcript; minus strand). Cytogenetic location: 2q36.3.
Variant type: single nucleotide variant.
Coding change: c.863G>T on transcript NM_000091.5 (MANE Select); coding-DNA position 863, G replaced by T.
Protein change: p.Gly288Val; replaces glycine 288 with valine.
Molecular consequence: missense variant.
Genome position (GRCh38, 1-based): chr2:227,254,690, G>T. VCF-style: chr2-227254690-G-T. GRCh37 (hg19) VCF-style: chr2-228119406-G-T.
Other names: short protein forms G288V.
Identifiers: ClinVar variation 1020232 (VCV001020232.8), dbSNP rs2070037317, ClinGen allele CA350866399.
Genomic context (GRCh38, chr2:227,254,690, plus strand): 5'-ATTTGACATGGCTCTAATTAATACAGGGACTGCCTGGAGAATCATATGGATCTGAAAAGG[G>T]TGCTCCTGGAGACCCTGGCCTGCAGGTAAATTTGGAAATTCGGTGTCATGTGCAGTTTTG-3'
Protein context (NP_000082.2, residues 278-298): LPGESYGSEK[Gly288Val]APGDPGLQGK